The following is an entry in ClinVar:

ClinVar aggregate classification (germline): Benign/Likely benign. Review status: criteria provided, multiple submitters, no conflicts (2 of 4 stars). 3 submissions from 3 submitters: Benign (2); Likely benign (1). Last evaluated 2026-06-01.

Allele frequency attached by ClinVar (database versions not stated): ESP Exome Variant Server 0.00131; TOPMed 0.00152; gnomAD exomes 0.00243 and 0.00437; gnomAD 0.00283 and 0.00304; ExAC 0.00400; 1000 Genomes Project 30x 0.00406; 1000 Genomes Project 0.00499.
gnomAD v4.1: 4,080 of 1,610,840 alleles (0.25%); highest among the groups gnomAD compares: East Asian, 1.4%; 21 homozygotes.

Submissions (8):

CeGaT Center for Human Genetics Tuebingen
Classification: Likely benign. Last evaluated: 2026-06-01. Review status: criteria provided, single submitter. Criteria: CeGaT Center For Human Genetics Tuebingen Variant Classification Criteria Version 2. Collection method: clinical testing. Allele origin: germline. Affected: yes. Observed: 2 variant alleles.
Comment: CDT1: BS1

Labcorp Genetics (formerly Invitae), Labcorp
Classification: Benign. Last evaluated: 2026-01-14. Review status: criteria provided, single submitter. Criteria: Invitae Variant Classification Sherloc (09022015). Collection method: clinical testing. Allele origin: germline.

Breakthrough Genomics
Classification: Benign. Review status: criteria provided, single submitter. Criteria: ACMG Guidelines, 2015. Collection method: not provided. Allele origin: germline. Inheritance: Autosomal recessive inheritance. Affected: yes.

Dr. Peter K. Rogan Lab, Western University
No classification provided (evidence only). Condition: Familial cancer of breast. Review status: no classification provided. Collection method: in vitro. Allele origin: not applicable. Functional consequence: retained intron. Not counted in ClinVar's aggregate classification.

Dr. Peter K. Rogan Lab, Western University
No classification provided (evidence only). Condition: Cervical cancer. Review status: no classification provided. Collection method: in vitro. Allele origin: not applicable. Functional consequence: retained intron. Not counted in ClinVar's aggregate classification.

Dr. Peter K. Rogan Lab, Western University
No classification provided (evidence only). Condition: Cervical cancer. Review status: no classification provided. Collection method: in vitro. Allele origin: not applicable. Functional consequence: retained intron. Not counted in ClinVar's aggregate classification.

Dr. Peter K. Rogan Lab, Western University
No classification provided (evidence only). Condition: Thymoma. Review status: no classification provided. Collection method: in vitro. Allele origin: not applicable. Functional consequence: retained intron. Not counted in ClinVar's aggregate classification.

Dr. Peter K. Rogan Lab, Western University
No classification provided (evidence only). Condition: Gastric cancer. Review status: no classification provided. Collection method: in vitro. Allele origin: not applicable. Functional consequence: retained intron. Not counted in ClinVar's aggregate classification.

NM_030928.4(CDT1):c.229-13T>A

Gene: CDT1 (chromatin licensing and DNA replication factor 1; plus strand). Cytogenetic location: 16q24.3.
Variant type: single nucleotide variant.
Coding change: c.229-13T>A on transcript NM_030928.4 (MANE Select); 13 bases into the intron before coding-DNA position 229, T replaced by A.
Molecular consequence: intron variant.
Genome position (GRCh38, 1-based): chr16:88,804,532, T>A. VCF-style: chr16-88804532-T-A. GRCh37 (hg19) VCF-style: chr16-88870940-T-A.
Identifiers: ClinVar variation 1563709 (VCV001563709.18), dbSNP rs139066583, ClinGen allele CA8233530.